The following is an entry in ClinVar:

ClinVar aggregate classification (germline): Pathogenic. Review status: criteria provided, multiple submitters, no conflicts (2 of 4 stars). 2 submissions from 2 submitters: Pathogenic (2). Last evaluated 2021-08-26.

Conditions:
Hereditary hemorrhagic telangiectasia (HHT). Also called: ORW DISEASE; Osler Weber Rendu syndrome; OSLER-RENDU-WEBER DISEASE; Osler hemorrhagic telangiectasia syndrome. Identifiers: Orphanet 774, MedGen C0039445, MONDO:0019180. Disease mechanism: loss of function.
Cardiovascular phenotype. Identifiers: MedGen CN230736.

Submissions (2):

Ambry Genetics
Classification: Pathogenic for Cardiovascular phenotype. Last evaluated: 2021-08-26. Review status: criteria provided, single submitter. Criteria: Ambry Variant Classification Scheme 2023. Collection method: clinical testing. Allele origin: germline.
Comment: The c.1238delG pathogenic mutation, located in coding exon 9 of the ENG gene, results from a deletion of one nucleotide at nucleotide position 1238, causing a translational frameshift with a predicted alternate stop codon (p.G413Afs*8). This variant is considered to be rare based on population cohorts in the Genome Aggregation Database (gnomAD). In addition, this alteration is expected to result in loss of function by premature protein truncation or nonsense-mediated mRNA decay. As such, this alteration is interpreted as a disease-causing mutation.

Labcorp Genetics (formerly Invitae), Labcorp
Classification: Pathogenic for Hereditary hemorrhagic telangiectasia. Last evaluated: 2019-05-27. Review status: criteria provided, single submitter. Criteria: Invitae Variant Classification Sherloc (09022015). Collection method: clinical testing. Allele origin: germline.
Comment: For these reasons, this variant has been classified as Pathogenic. Loss-of-function variants in ENG are known to be pathogenic (PMID: 15879500, 20656886, 22385575). This variant has not been reported in the literature in individuals with ENG-related conditions. This variant is not present in population databases (ExAC no frequency). This sequence change creates a premature translational stop signal (p.Gly413Alafs*8) in the ENG gene. It is expected to result in an absent or disrupted protein product.

Literature cited by the submitters: PubMed 15879500 (cited by Labcorp Genetics (formerly Invitae), Labcorp); PubMed 20656886 (cited by Labcorp Genetics (formerly Invitae), Labcorp); PubMed 22385575 (cited by Labcorp Genetics (formerly Invitae), Labcorp).

NM_001114753.3(ENG):c.1238del (p.Gly413fs)

Genes: ENG (endoglin; minus strand), LOC102723566 (uncharacterized LOC102723566; plus strand). Cytogenetic location: 9q34.11.
Variant type: Deletion.
Coding change: c.1238del on transcript NM_001114753.3 (MANE Select); coding-DNA position 1238, one base deleted (G; older notation c.1238delG).
Protein change: p.Gly413fs; shifts the reading frame from glycine 413.
Molecular consequence: frameshift variant.
Genome position (GRCh38, 1-based): chr9:127,819,934, C deleted on the plus strand (G on the coding strand, the reverse complement: ENG is on the minus strand); the first of 2 consecutive C bases (chr9:127,819,934-127,819,935); deleting either gives the same sequence. VCF-style (leftmost placement, unchanged base first): chr9-127819933-GC-G. GRCh37 (hg19) VCF-style: chr9-130582212-GC-G.
Other names: c.1237delG, p.Gly413Alafs (NM_000118.4); c.692del, p.Gly231fs (NM_001278138.2); short protein forms G231fs, G413fs.
Identifiers: ClinVar variation 939701 (VCV000939701.12), dbSNP rs1830432717, ClinGen allele CA1139659938.